The following is an entry in ClinVar:

NM_005560.6(LAMA5):c.1910G>A (p.Arg637Gln)

Gene: LAMA5 (laminin subunit alpha 5; minus strand). Cytogenetic location: 20q13.33.
Variant type: single nucleotide variant.
Coding change: c.1910G>A on transcript NM_005560.6 (MANE Select); coding-DNA position 1910, G replaced by A.
Protein change: p.Arg637Gln; replaces arginine 637 with glutamine.
Molecular consequence: missense variant.
Genome position (GRCh38, 1-based): chr20:62,337,920, C>T on the plus strand (G>A on the coding strand, the complement: LAMA5 is on the minus strand). VCF-style: chr20-62337920-C-T. GRCh37 (hg19) VCF-style: chr20-60912976-C-T.
Other names: c.1910G>A (NM_005560.3); short protein forms R637Q.
Identifiers: ClinVar variation 2711973 (VCV002711973.4), dbSNP rs376781670, ClinGen allele CA9943707.

ClinVar aggregate classification (germline): Uncertain significance. Review status: criteria provided, multiple submitters, no conflicts (2 of 4 stars). 2 submissions from 2 submitters: Uncertain significance (2). Last evaluated 2025-06-12.

Conditions:
Inborn genetic diseases. Identifiers: MedGen C0950123, MeSH D030342.

Allele frequency attached by ClinVar (database versions not stated): ESP Exome Variant Server 0.00008; gnomAD 0.00019.
gnomAD v4.1: 159 of 1,610,296 alleles (0.0099%); highest among the groups gnomAD compares: African/African-American, 0.041%; 1 homozygote.

Submissions (2):

Labcorp Genetics (formerly Invitae), Labcorp
Classification: Uncertain significance. Last evaluated: 2025-06-12. Review status: criteria provided, single submitter. Criteria: Invitae Variant Classification Sherloc (09022015). Collection method: clinical testing. Allele origin: germline.
Comment: This sequence change replaces arginine, which is basic and polar, with glutamine, which is neutral and polar, at codon 637 of the LAMA5 protein (p.Arg637Gln). This variant is present in population databases (rs376781670, gnomAD 0.04%). This variant has not been reported in the literature in individuals affected with LAMA5-related conditions. ClinVar contains an entry for this variant (Variation ID: 2711973). An algorithm developed to predict the effect of missense changes on protein structure and function outputs the following: PolyPhen-2: "Possibly Damaging". The glutamine amino acid residue is found in multiple mammalian species, which suggests that this missense change does not adversely affect protein function. In summary, the available evidence is currently insufficient to determine the role of this variant in disease. Therefore, it has been classified as a Variant of Uncertain Significance.

Ambry Genetics
Classification: Uncertain significance for Inborn genetic diseases. Last evaluated: 2024-02-28. Review status: criteria provided, single submitter. Criteria: Ambry Variant Classification Scheme 2023. Collection method: clinical testing. Allele origin: germline.